The following is an entry in ClinVar:

NM_144687.4(NLRP12):c.541C>T (p.Arg181Trp)

Gene: NLRP12 (NLR family pyrin domain containing 12; minus strand). Cytogenetic location: 19q13.42.
Variant type: single nucleotide variant.
Coding change: c.541C>T on transcript NM_144687.4 (MANE Select); coding-DNA position 541, C replaced by T.
Protein change: p.Arg181Trp; replaces arginine 181 with tryptophan.
Molecular consequence: missense variant.
Genome position (GRCh38, 1-based): chr19:53,811,118, G>A on the plus strand (C>T on the coding strand, the complement: NLRP12 is on the minus strand). VCF-style: chr19-53811118-G-A. GRCh37 (hg19) VCF-style: chr19-54314372-G-A.
Other names: c.541C>T, p.Arg181Trp (NM_001277126.2, NM_001277129.1); c.541C>T (NM_144687.2); short protein forms R181W.
Identifiers: ClinVar variation 644675 (VCV000644675.17), dbSNP rs758607519, ClinGen allele CA9639681.
Genomic context (GRCh38, chr19:53,811,118, plus strand): 5'-CAAAGAGGGTCTCTATCTTGATGGGGCTAGCCTGGTGTCCCACGGTCCTCGCGTGTCCCC[G>A]GCCTGTGTCCAGAAGCTGCTGCTGGACCTGCATGGGGTTTGAGTGCTCCTTCACCAGCAG-3'
Protein context (NP_653288.1, residues 171-191): QVQQQLLDTG[Arg181Trp]GHARTVGHQA

ClinVar aggregate classification (germline): Conflicting classifications of pathogenicity. Review status: criteria provided, conflicting classifications (1 of 4 stars). 4 submissions from 4 submitters: Uncertain significance (3); Benign (1). Last evaluated 2025-10-29.

Conditions:
Familial cold autoinflammatory syndrome 2 (FCAS2). Identifiers: Orphanet 247868, MedGen C2673198, MONDO:0012724, OMIM 611762.
Inborn genetic diseases. Identifiers: MedGen C0950123, MeSH D030342.
Autoinflammatory syndrome. Identifiers: Orphanet 93665, MedGen C3890737, MONDO:0019751.

Allele frequency attached by ClinVar (database versions not stated): gnomAD 0.00001 and 0.00002; TOPMed 0.00002; gnomAD exomes 0.00006 and 0.00007; ExAC 0.00008.
gnomAD v4.1: 93 of 1,613,922 alleles (0.0058%); highest among the groups gnomAD compares: Middle Eastern, 0.016%; no homozygotes.

Submissions (4):

Ambry Genetics
Classification: Uncertain significance for Inborn genetic diseases. Last evaluated: 2025-10-29. Review status: criteria provided, single submitter. Criteria: Ambry Variant Classification Scheme 2023. Collection method: clinical testing. Allele origin: germline.

Labcorp Genetics (formerly Invitae), Labcorp
Classification: Uncertain significance for Familial cold autoinflammatory syndrome 2. Last evaluated: 2025-09-14. Review status: criteria provided, single submitter. Criteria: Invitae Variant Classification Sherloc (09022015). Collection method: clinical testing. Allele origin: germline.
Comment: This sequence change replaces arginine, which is basic and polar, with tryptophan, which is neutral and slightly polar, at codon 181 of the NLRP12 protein (p.Arg181Trp). This variant is present in population databases (rs758607519, gnomAD 0.02%). This variant has not been reported in the literature in individuals affected with NLRP12-related conditions. ClinVar contains an entry for this variant (Variation ID: 644675). An algorithm developed to predict the effect of missense changes on protein structure and function outputs the following: PolyPhen-2: "Benign". The tryptophan amino acid residue is found in multiple mammalian species, which suggests that this missense change does not adversely affect protein function. In summary, the available evidence is currently insufficient to determine the role of this variant in disease. Therefore, it has been classified as a Variant of Uncertain Significance.

Genome Diagnostics Laboratory, The Hospital for Sick Children
Classification: Uncertain significance for Autoinflammatory syndrome. Last evaluated: 2019-12-01. Review status: criteria provided, single submitter. Criteria: ACMG Guidelines, 2015. Collection method: clinical testing. Allele origin: germline. Affected: yes.

Illumina Laboratory Services, Illumina
Classification: Benign for Familial cold autoinflammatory syndrome 2. Last evaluated: 2017-04-28. Review status: criteria provided, single submitter. Criteria: ICSL Variant Classification Criteria 13 December 2019. Collection method: clinical testing. Allele origin: germline.
Comment: This variant was observed as part of a predisposition screen in an ostensibly healthy population. A literature search was performed for the gene, cDNA change, and amino acid change (where applicable). No publications were found based on this search. Allele frequency data from public databases was too high to be consistent with this variant causing disease. Therefore, this variant is classified as benign.